The following is an entry in ClinVar:

ClinVar aggregate classification (germline): Pathogenic (1 of 4 stars; one submission).

Conditions:
Hemolytic anemia due to glucophosphate isomerase deficiency (CNSHA4). Also called: ANEMIA, CONGENITAL, NONSPHEROCYTIC HEMOLYTIC, 4. Identifiers: Orphanet 712, MedGen C0272064, MONDO:0013275, OMIM 613470.

Submission:

Women's Health and Genetics/Laboratory Corporation of America, LabCorp
Classification: Pathogenic for Hemolytic anemia due to glucophosphate isomerase deficiency. Last evaluated: 2024-07-18. Review status: criteria provided, single submitter. Criteria: LabCorp Variant Classification Summary - May 2015. Collection method: clinical testing. Allele origin: germline.
Comment: Variant summary: The variant involves the deletion of exons 13-18 in the GPI gene. A presumed nomenclature of c.(1062+1_1063-1)_(*2378_?)del has been designated for the purposes of this classification. The exact breakpoint at the distal 3' end of this variant is unknown, therefore this deletion may extend downstream of the annotated region of the gene. As it encompasses the termination codon, it is predicted to escape nonsense mediated decay (NMD). The variant was absent in 21692 control chromosomes. To our knowledge, no occurrence of c.(1062+1_1063-1)_(*2378_?)del in individuals affected with Hemolytic Anemia Due To Glucophosphate Isomerase Deficiency and no experimental evidence demonstrating its impact on protein function have been reported. Missense variants were observed on the pathogenic spectrum in ClinVar within the deleted region. No submitters have cited clinical-significance assessments for this variant to ClinVar. Based on the evidence outlined above, the variant was classified as pathogenic.

NC_000019.9:g.(34884972_34887205)_(34893319_?)del

Gene: GPI (glucose-6-phosphate isomerase; plus strand). Cytogenetic location: 19q13.11.
Variant type: Deletion.
Identifiers: ClinVar variation 3339453 (VCV003339453.1).